The following is an entry in ClinVar:

NM_005670.4(EPM2A):c.714C>T (p.Thr238=)

Gene: EPM2A (EPM2A glucan phosphatase, laforin; minus strand). Cytogenetic location: 6q24.3.
Variant type: single nucleotide variant.
Coding change: c.714C>T on transcript NM_005670.4 (MANE Select); coding-DNA position 714, C replaced by T.
Protein change: p.Thr238=; no amino-acid change (threonine 238 retained).
Molecular consequence: synonymous variant. On other transcripts: intron variant (1).
Genome position (GRCh38, 1-based): chr6:145,635,249, G>A on the plus strand (C>T on the coding strand, the complement: EPM2A is on the minus strand). VCF-style: chr6-145635249-G-A. GRCh37 (hg19) VCF-style: chr6-145956385-G-A.
Other names: c.714C>T (NM_005670.3); c.714C>T, p.Thr238= (NM_001018041.2, NM_001368130.1); c.300C>T, p.Thr100= (NM_001360064.2, NM_001360071.2, NM_001368131.1); c.252C>T, p.Thr84= (NM_001368129.2, NM_001368132.1); c.477-7556C>T (NM_001360057.2).
Identifiers: ClinVar variation 1626320 (VCV001626320.9), dbSNP rs762653955, ClinGen allele CA4035121.

ClinVar aggregate classification (germline): Likely benign. Review status: criteria provided, single submitter (1 of 4 stars). 2 submissions from 2 submitters: Likely benign (1). 1 of the submissions does not count toward it. Last evaluated 2024-01-02.

Conditions:
Progressive myoclonic epilepsy. Also called: Familial progressive myoclonic epilepsy; Myoclonic Epilepsies, Progressive; Myoclonus epilepsy; Progressive myoclonus epilepsy. Identifiers: Orphanet 308, Orphanet 98261, MedGen C0751778, MONDO:0020074.
EPM2A-related disorder. Also called: EPM2A-related condition.

Allele frequency attached by ClinVar (database versions not stated): gnomAD 0.00001; TOPMed 0.00002; ExAC 0.00003.
gnomAD v4.1: 10 of 1,613,998 alleles (0.00062%); highest among the groups gnomAD compares: South Asian, 0.0033%; 1 homozygote.

Submissions (2):

Labcorp Genetics (formerly Invitae), Labcorp
Classification: Likely benign for Progressive myoclonic epilepsy. Last evaluated: 2024-01-02. Review status: criteria provided, single submitter. Criteria: Invitae Variant Classification Sherloc (09022015). Collection method: clinical testing. Allele origin: germline.

PreventionGenetics, part of Exact Sciences
Classification: Likely benign for EPM2A-related condition. Last evaluated: 2019-04-01. Review status: no assertion criteria provided. Collection method: clinical testing. Allele origin: germline. Not counted in ClinVar's aggregate classification.
Comment: This variant is classified as likely benign based on ACMG/AMP sequence variant interpretation guidelines (Richards et al. 2015 PMID: 25741868, with internal and published modifications).